The following is an entry in ClinVar:

NM_001165963.4(SCN1A):c.811_815dup (p.Asn272fs)

Gene: SCN1A (sodium voltage-gated channel alpha subunit 1; minus strand). Cytogenetic location: 2q24.3.
Variant type: Duplication.
Coding change: c.811_815dup on transcript NM_001165963.4 (MANE Select); coding-DNA positions 811 to 815, 5 bases duplicated (GGCAA; older notation c.811_815dupGGCAA).
Protein change: p.Asn272fs; shifts the reading frame from asparagine 272.
Molecular consequence: frameshift variant. On other transcripts: 5 prime UTR variant (1), non-coding transcript variant (1).
Genome position (GRCh38, 1-based): chr2:166,051,868-166,051,872, TTGCC duplicated on the plus strand (GGCAA on the coding strand, the reverse complement: SCN1A is on the minus strand). VCF-style (leftmost placement, unchanged base first): chr2-166051867-G-GTTGCC. GRCh37 (hg19) VCF-style: chr2-166908377-G-GTTGCC.
Other names: c.811_815dup, p.Asn272fs (NM_001165964.3, NM_001202435.3, NM_001353948.2 and 10 more transcripts); c.-1615_-1611dup (NM_001353961.2); short protein forms N272fs.
Identifiers: ClinVar variation 643783 (VCV000643783.4), dbSNP rs1574265144, ClinGen allele CA915942925.
Genomic context (GRCh38, chr2:166,051,867, plus strand): 5'-TATACTATGTTCCTCCAAGGAAGCATTGGTGGGAGGCCATTGTATACATTTATTCCTCAG[G>GTTGCC]TTGCCCATGAACAGCTGCAGCCCAATTAGAGCAAATACGCTCAGACAGAACACAGTCAGG-3'

ClinVar aggregate classification (germline): Pathogenic. Review status: criteria provided, multiple submitters, no conflicts (2 of 4 stars). 2 submissions from 2 submitters: Pathogenic (2). Last evaluated 2018-07-05.

Conditions:
Developmental and epileptic encephalopathy. Identifiers: MedGen C5779964, MONDO:0100620.

Submissions (2):

Labcorp Genetics (formerly Invitae), Labcorp
Classification: Pathogenic for Early-infantile DEE. Last evaluated: 2018-07-05. Review status: criteria provided, single submitter. Criteria: Invitae Variant Classification Sherloc (09022015). Collection method: clinical testing. Allele origin: germline.
Comment: This sequence change creates a premature translational stop signal (p.Asn272Lysfs*4) in the SCN1A gene. It is expected to result in an absent or disrupted protein product. This variant is not present in population databases (ExAC no frequency). This variant has not been reported in the literature in individuals with SCN1A-related disease. Loss-of-function variants in SCN1A are known to be pathogenic (PMID: 17347258, 18930999). For these reasons, this variant has been classified as Pathogenic.

GeneDx
Classification: Pathogenic. Last evaluated: 2017-10-24. Review status: criteria provided, single submitter. Criteria: GeneDx Variant Classification (06012015). Collection method: clinical testing. Allele origin: germline. Affected: yes.
Comment: A variant that is pathogenic has been identified in the SCN1A gene. The c.811_815dupGGCAA variant in the SCN1A gene causes a frameshift starting with codon Aspargine 272, changes this aminoacid to a Lysine residue and creates a premature Stop codon at position 4 of the new reading frame, denoted p.Asn272LysfsX4. This variant is predicted to cause loss of normal protein function either through protein truncation or nonsense-mediated mRNA decay. The c.811_815dupGGCAA variant is not observed in large population cohorts (Lek et al., 2016). Although this pathogenic variant has not been previously reported to our knowledge, other loss-of-function variants in the SCN1A gene have been reported in the Human Gene Mutation Database in association with SCN1A-related disorders(Stenson et al., 2014). Therefore, this variant is pathogenic.

Literature cited by the submitters: PubMed 17347258 (cited by Labcorp Genetics (formerly Invitae), Labcorp); PubMed 18930999 (cited by Labcorp Genetics (formerly Invitae), Labcorp).